The following is an entry in ClinVar:

NC_012920.1(MT-ND4):m.11232T>C

Gene: MT-ND4 (mitochondrially encoded NADH dehydrogenase 4; plus strand).
Variant type: single nucleotide variant.
Genome position: chrM-11232-T-C.
Identifiers: ClinVar variation 693354 (VCV000693354.3), dbSNP rs1603223180, ClinGen allele CA414809747.

ClinVar aggregate classification (germline): Conflicting classifications of pathogenicity. Review status: criteria provided, conflicting classifications (1 of 4 stars). 2 submissions from 2 submitters: Likely pathogenic (1); Uncertain significance (1). Last evaluated 2026-05-18.

Conditions:
Mitochondrial-associated anesthesiology/sevoflurane hypersensitivity.
Leigh syndrome (NULS). Also called: Leigh Syndrome (mtDNA deletion); Leigh Disease; Leigh's syndrome; LEIGH SYNDROME, NUCLEAR; Leigh's necrotizing encephalopathy; Leigh's disease. Identifiers: Orphanet 506, MedGen C2931891, MONDO:0009723, OMIM 256000.

Submissions (2):

Undiagnosed Diseases Network, NIH
Classification: Likely pathogenic for Mitochondrial-associated anesthesiology/sevoflurane hypersensitivity. Last evaluated: 2026-05-18. Review status: criteria provided, single submitter. Criteria: ACMG Guidelines, 2015. Collection method: clinical testing. Allele origin: maternal. Affected: yes. Observed: 4 variant alleles, 4 homozygotes. Clinical features observed: Eyelid apraxia (HP:0000658), Cerebellar atrophy (HP:0001272), Gait disturbance (HP:0001288), Abnormal cerebellum morphology (HP:0001317), Dystonic disorder (HP:0001332), Dysphagia (HP:0002015), Rigidity (HP:0002063), Abnormal basal ganglia morphology (HP:0002134), Ischemic stroke (HP:0002140), Postural instability (HP:0002172), Global brain atrophy (HP:0002283), Mutism (HP:0002300), and 18 more. Study: Undiagnosed Diseases Network (NIH), UDN.
Comment: Variant confers risk for abnormal outcomes in the context of hypersensitivity to halogenated anesthetics.

Wong Mito Lab, Molecular and Human Genetics, Baylor College of Medicine
Classification: Uncertain significance for Leigh syndrome. Last evaluated: 2019-10-17. Review status: criteria provided, single submitter. Criteria: Modified ACMG Guidelines (Unpublished). Collection method: clinical testing. Allele origin: germline.
Comment: The NC_012920.1:m.11232T>C (YP_003024035.1:p.Leu158Pro) variant in MTND4 gene is interpretated to be a Uncertain Significance variant based on the modified ACMG guidelines (unpublished). This variant meets the following evidence codes: PS3, PM8, PP6, PP7, BS4

Literature cited by the submitters: PubMed 42117732 (cited by Undiagnosed Diseases Network, NIH); PubMed 15972314 (cited by Undiagnosed Diseases Network, NIH and Wong Mito Lab, Molecular and Human Genetics, Baylor College of Medicine); PubMed 14581685 (cited by Undiagnosed Diseases Network, NIH and Wong Mito Lab, Molecular and Human Genetics, Baylor College of Medicine).